The following is an entry in ClinVar:

NM_005186.4(CAPN1):c.311G>A (p.Arg104His)

Gene: CAPN1 (calpain 1; plus strand). Cytogenetic location: 11q13.1.
Variant type: single nucleotide variant.
Coding change: c.311G>A on transcript NM_005186.4 (MANE Select); coding-DNA position 311, G replaced by A.
Protein change: p.Arg104His; replaces arginine 104 with histidine.
Molecular consequence: missense variant.
Genome position (GRCh38, 1-based): chr11:65,183,171, G>A. VCF-style: chr11-65183171-G-A. GRCh37 (hg19) VCF-style: chr11-64950642-G-A.
Other names: p.Arg104His; c.311G>A, p.Arg104His (NM_001198868.2, NM_001198869.2); c.311G>A (NM_001198868.1); short protein forms R104H.
Identifiers: ClinVar variation 1520489 (VCV001520489.8), dbSNP rs201751778, ClinGen allele CA6093018.

ClinVar aggregate classification (germline): Uncertain significance. Review status: criteria provided, multiple submitters, no conflicts (2 of 4 stars). 3 submissions from 3 submitters: Uncertain significance (3). Last evaluated 2025-11-12.

Conditions:
Inborn genetic diseases. Identifiers: MedGen C0950123, MeSH D030342.

Allele frequency attached by ClinVar (database versions not stated): TOPMed 0.00012; ESP Exome Variant Server 0.00016; gnomAD 0.00006; ExAC 0.00011.
gnomAD v4.1: 246 of 1,613,752 alleles (0.015%); highest among the groups gnomAD compares: Admixed American, 0.02%; 1 homozygote.

Submissions (3):

Mayo Clinic Laboratories, Mayo Clinic
Classification: Uncertain significance. Last evaluated: 2025-11-12. Review status: criteria provided, single submitter. Criteria: ACMG Guidelines, 2015. Collection method: clinical testing. Allele origin: germline. Observed: 1 variant allele.
Comment: PP3_moderate

Ambry Genetics
Classification: Uncertain significance for Inborn genetic diseases. Last evaluated: 2024-01-16. Review status: criteria provided, single submitter. Criteria: Ambry Variant Classification Scheme 2023. Collection method: clinical testing. Allele origin: germline.

Labcorp Genetics (formerly Invitae), Labcorp
Classification: Uncertain significance. Last evaluated: 2021-11-01. Review status: criteria provided, single submitter. Criteria: Invitae Variant Classification Sherloc (09022015). Collection method: clinical testing. Allele origin: germline.
Comment: In summary, the available evidence is currently insufficient to determine the role of this variant in disease. Therefore, it has been classified as a Variant of Uncertain Significance. Algorithms developed to predict the effect of missense changes on protein structure and function (SIFT, PolyPhen-2, Align-GVGD) all suggest that this variant is likely to be disruptive. This variant has not been reported in the literature in individuals affected with CAPN1-related conditions. This variant is present in population databases (rs201751778, gnomAD 0.03%). This sequence change replaces arginine, which is basic and polar, with histidine, which is basic and polar, at codon 104 of the CAPN1 protein (p.Arg104His).